The following is an entry in ClinVar:

ClinVar aggregate classification (germline): Uncertain significance (1 of 4 stars; one submission).

Conditions:
Glanzmann thrombasthenia. Also called: BLEEDING DISORDER, PLATELET-TYPE, 2; THROMBASTHENIA OF GLANZMANN AND NAEGELI; PLATELET GLYCOPROTEIN IIb-IIIa DEFICIENCY; Glanzmann's thrombasthenia; Thrombasthenia. Identifiers: Orphanet 849, MedGen C0040015, MONDO:0100326.

Allele frequency attached by ClinVar (database versions not stated): gnomAD exomes below 0.00001.
gnomAD v4.1: 2 of 1,599,734 alleles (0.00013%); highest among the groups gnomAD compares: Non-Finnish European, 0.00017%; no homozygotes.

Submission:

Labcorp Genetics (formerly Invitae), Labcorp
Classification: Uncertain significance for Glanzmann thrombasthenia. Last evaluated: 2022-06-08. Review status: criteria provided, single submitter. Criteria: Invitae Variant Classification Sherloc (09022015). Collection method: clinical testing. Allele origin: germline.
Comment: In summary, the available evidence is currently insufficient to determine the role of this variant in disease. Therefore, it has been classified as a Variant of Uncertain Significance. This sequence change replaces valine, which is neutral and non-polar, with methionine, which is neutral and non-polar, at codon 67 of the ITGA2B protein (p.Val67Met). This variant is not present in population databases (gnomAD no frequency). This variant has not been reported in the literature in individuals affected with ITGA2B-related conditions. Algorithms developed to predict the effect of missense changes on protein structure and function are either unavailable or do not agree on the potential impact of this missense change (SIFT: "Deleterious"; PolyPhen-2: "Probably Damaging"; Align-GVGD: "Class C0").

NM_000419.5(ITGA2B):c.199G>A (p.Val67Met)

Gene: ITGA2B (integrin subunit alpha 2b; minus strand). Cytogenetic location: 17q21.31.
Variant type: single nucleotide variant.
Coding change: c.199G>A on transcript NM_000419.5 (MANE Select); coding-DNA position 199, G replaced by A.
Protein change: p.Val67Met; replaces valine 67 with methionine.
Molecular consequence: missense variant.
Genome position (GRCh38, 1-based): chr17:44,386,121, C>T on the plus strand (G>A on the coding strand, the complement: ITGA2B is on the minus strand). VCF-style: chr17-44386121-C-T. GRCh37 (hg19) VCF-style: chr17-42463489-C-T.
Other names: short protein forms V67M.
Identifiers: ClinVar variation 2169719 (VCV002169719.4), dbSNP rs2510085573, ClinGen allele CA399806525.